The following is an entry in ClinVar:

NM_001710.6(CFB):c.978A>C (p.Glu326Asp)

Gene: CFB (complement factor B; plus strand). Cytogenetic location: 6p21.33.
Variant type: single nucleotide variant.
Coding change: c.978A>C on transcript NM_001710.6 (MANE Select); coding-DNA position 978, A replaced by C.
Protein change: p.Glu326Asp; replaces glutamic acid 326 with aspartic acid.
Molecular consequence: missense variant.
Genome position (GRCh38, 1-based): chr6:31,948,454, A>C. VCF-style: chr6-31948454-A-C. GRCh37 (hg19) VCF-style: chr6-31916231-A-C.
Other names: p.Glu326Asp; short protein forms E326D.
Identifiers: ClinVar variation 1336024 (VCV001336024.19), dbSNP rs140166479, ClinGen allele CA3728200.

ClinVar aggregate classification (germline): Benign/Likely benign. Review status: criteria provided, multiple submitters, no conflicts (2 of 4 stars). 7 submissions from 7 submitters: Benign (1); Likely benign (6). Last evaluated 2026-04-09.

Conditions:
Kidney disorder. Also called: Nephropathy; Kidney disease; Kidney Diseases; renal disorder; renal disease. Identifiers: MedGen C0022658, MONDO:0005240, HP:0000112.

Allele frequency attached by ClinVar (database versions not stated): gnomAD exomes 0.00030 and 0.00071; ExAC 0.00077; ESP Exome Variant Server 0.00146; 1000 Genomes Project 30x 0.00156; gnomAD 0.00175 and 0.00182; 1000 Genomes Project 0.00180; TOPMed 0.00221.
gnomAD v4.1: 725 of 1,614,248 alleles (0.045%); highest among the groups gnomAD compares: African/African-American, 0.43%; 2 homozygotes.

Submissions (7):

Women's Health and Genetics/Laboratory Corporation of America, LabCorp
Classification: Likely benign. Last evaluated: 2026-04-09. Review status: criteria provided, single submitter. Criteria: LabCorp Variant Classification Summary - May 2015. Collection method: clinical testing. Allele origin: germline.
Comment: Variant summary: CFB c.978A>C (p.Glu326Asp) results in a conservative amino acid change located in the von Willebrand factor, type A domain (IPR002035) of the encoded protein sequence. Algorithms developed to predict the effect of missense changes on protein structure and function all suggest that this variant is likely to be tolerated. The variant allele was found at a frequency of 0.00071 in 251396 control chromosomes, predominantly at a frequency of 0.0047 within the African or African-American subpopulation in the gnomAD database. The observed variant frequency within African or African-American control individuals in the gnomAD database exceeds the estimated maximal expected allele frequency for disease-causing variants in CFB. To our knowledge, no occurrence of c.978A>C in individuals affected with CFB-related conditions and no experimental evidence demonstrating its impact on protein function have been reported. ClinVar contains an entry for this variant (Variation ID: 1336024). Based on the evidence outlined above, the variant was classified as likely benign.

Labcorp Genetics (formerly Invitae), Labcorp
Classification: Benign. Last evaluated: 2026-02-01. Review status: criteria provided, single submitter. Criteria: Invitae Variant Classification Sherloc (09022015). Collection method: clinical testing. Allele origin: germline.

Mayo Clinic Laboratories, Mayo Clinic
Classification: Likely benign. Last evaluated: 2025-07-01. Review status: criteria provided, single submitter. Criteria: ACMG Guidelines, 2015. Collection method: clinical testing. Allele origin: germline. Observed: 19 variant alleles.
Comment: BS1, BP4_moderate

Blueprint Genetics
Classification: Likely benign. Last evaluated: 2023-12-27. Review status: criteria provided, single submitter. Criteria: ACMG Guidelines, 2015. Collection method: clinical testing. Allele origin: germline.

Genome Diagnostics Laboratory, The Hospital for Sick Children
Classification: Likely benign for Kidney disorder. Last evaluated: 2019-09-01. Review status: criteria provided, single submitter. Criteria: ACMG Guidelines, 2015. Collection method: clinical testing. Allele origin: germline.

Genetic Services Laboratory, University of Chicago
Classification: Likely benign. Last evaluated: 2019-03-26. Review status: criteria provided, single submitter. Criteria: ACMG Guidelines, 2015. Collection method: clinical testing. Allele origin: germline. Affected: no.

Breakthrough Genomics
Classification: Likely benign. Review status: criteria provided, single submitter. Criteria: ACMG Guidelines, 2015. Collection method: not provided. Allele origin: germline. Inheritance: Autosomal recessive inheritance. Affected: yes.